The following is an entry in ClinVar:

NM_000334.4(SCN4A):c.448A>G (p.Met150Val)

Gene: SCN4A (sodium voltage-gated channel alpha subunit 4; minus strand). Cytogenetic location: 17q23.3.
Variant type: single nucleotide variant.
Coding change: c.448A>G on transcript NM_000334.4 (MANE Select); coding-DNA position 448, A replaced by G.
Protein change: p.Met150Val; replaces methionine 150 with valine.
Molecular consequence: missense variant.
Genome position (GRCh38, 1-based): chr17:63,972,170, T>C on the plus strand (A>G on the coding strand, the complement: SCN4A is on the minus strand). VCF-style: chr17-63972170-T-C. GRCh37 (hg19) VCF-style: chr17-62049530-T-C.
Other names: short protein forms M150V.
Identifiers: ClinVar variation 3720703 (VCV003720703.2).

ClinVar aggregate classification (germline): Uncertain significance (1 of 4 stars; one submission).

Conditions:
Hyperkalemic periodic paralysis. Also called: Familial hyperkalemic periodic paralysis; Gamstorp disease. Identifiers: Orphanet 682, MedGen C0238357, MONDO:0008224, OMIM 170500, HP:0007215.

Submission:

Labcorp Genetics (formerly Invitae), Labcorp
Classification: Uncertain significance for Hyperkalemic periodic paralysis. Last evaluated: 2024-10-13. Review status: criteria provided, single submitter. Criteria: Invitae Variant Classification Sherloc (09022015). Collection method: clinical testing. Allele origin: germline.
Comment: This sequence change replaces methionine, which is neutral and non-polar, with valine, which is neutral and non-polar, at codon 150 of the SCN4A protein (p.Met150Val). This variant is not present in population databases (gnomAD no frequency). This variant has not been reported in the literature in individuals affected with SCN4A-related conditions. Invitae Evidence Modeling of protein sequence and biophysical properties (such as structural, functional, and spatial information, amino acid conservation, physicochemical variation, residue mobility, and thermodynamic stability) indicates that this missense variant is not expected to disrupt SCN4A protein function with a negative predictive value of 95%. Algorithms developed to predict the effect of sequence changes on RNA splicing suggest that this variant may create or strengthen a splice site. In summary, the available evidence is currently insufficient to determine the role of this variant in disease. Therefore, it has been classified as a Variant of Uncertain Significance.